The following is an entry in ClinVar:

NM_001365276.2(TNXB):c.9762C>T (p.Pro3254=)

Gene: TNXB (tenascin XB; minus strand). Cytogenetic location: 6p21.33.
Variant type: single nucleotide variant.
Coding change: c.9762C>T on transcript NM_001365276.2 (MANE Select); coding-DNA position 9762, C replaced by T.
Protein change: p.Pro3254=; no amino-acid change (proline 3254 retained).
Molecular consequence: synonymous variant.
Genome position (GRCh38, 1-based): chr6:32,048,646, G>A on the plus strand (C>T on the coding strand, the complement: TNXB is on the minus strand). VCF-style: chr6-32048646-G-A. GRCh37 (hg19) VCF-style: chr6-32016423-G-A.
Other names: p.Pro3252=; c.9756C>T, p.Pro3252= (NM_019105.8).
Identifiers: ClinVar variation 1205063 (VCV001205063.11), dbSNP rs190855421, ClinGen allele CA3733399.

ClinVar aggregate classification (germline): Benign/Likely benign. Review status: criteria provided, multiple submitters, no conflicts (2 of 4 stars). 6 submissions from 6 submitters: Benign (2); Likely benign (4). Last evaluated 2026-01-25.

Conditions:
Ehlers-Danlos syndrome (EDS). Identifiers: Orphanet 98249, MedGen C0013720, MONDO:0020066.
Cardiovascular phenotype. Identifiers: MedGen CN230736.
Ehlers-Danlos syndrome due to tenascin-X deficiency (EDSCLL1). Also called: EHLERS-DANLOS SYNDROME, CLASSIC-LIKE; Ehlers-Danlos syndrome, classic-like, 1; TNXB-Related Classical-Like Ehlers-Danlos Syndrome; EDS DUE TO TNX DEFICIENCY; TNX DEFICIENCY. Identifiers: Orphanet 230839, MedGen C1848029, MONDO:0011670, OMIM 606408.
Vesicoureteral reflux 8 (VUR8). Identifiers: Orphanet 289365, MedGen C4014831, MONDO:0014422, OMIM 615963.

Allele frequency attached by ClinVar (database versions not stated): gnomAD exomes 0.00022 and 0.00139; gnomAD 0.00047 and 0.00058; TOPMed 0.00056; ExAC 0.00125; 1000 Genomes Project 0.00319; 1000 Genomes Project 30x 0.00328.
gnomAD v4.1: 386 of 1,479,866 alleles (0.026%); highest among the groups gnomAD compares: East Asian, 0.86%; 5 homozygotes.

Submissions (6):

Labcorp Genetics (formerly Invitae), Labcorp
Classification: Benign. Last evaluated: 2026-01-25. Review status: criteria provided, single submitter. Criteria: Invitae Variant Classification Sherloc (09022015). Collection method: clinical testing. Allele origin: germline.

Mayo Clinic Laboratories, Mayo Clinic
Classification: Likely benign. Last evaluated: 2025-04-22. Review status: criteria provided, single submitter. Criteria: ACMG Guidelines, 2015. Collection method: clinical testing. Allele origin: germline. Observed: 1 variant allele.
Comment: BS1, BP4, BP7

Fulgent Genetics
Classification: Likely benign for Ehlers-Danlos syndrome due to tenascin-X deficiency; Vesicoureteral reflux 8. Last evaluated: 2022-03-17. Review status: criteria provided, single submitter. Criteria: ACMG Guidelines, 2015. Collection method: clinical testing. Allele origin: unknown.

Genome Diagnostics Laboratory, The Hospital for Sick Children
Classification: Likely benign for Ehlers-Danlos syndrome. Last evaluated: 2021-06-23. Review status: criteria provided, single submitter. Criteria: ACMG Guidelines, 2015. Collection method: clinical testing. Allele origin: germline.

GeneDx
Classification: Likely benign. Last evaluated: 2021-04-08. Review status: criteria provided, single submitter. Criteria: GeneDx Variant Classification Process June 2021. Collection method: clinical testing. Allele origin: germline. Affected: yes.

Ambry Genetics
Classification: Benign for Cardiovascular phenotype. Last evaluated: 2019-03-07. Review status: criteria provided, single submitter. Criteria: Ambry Variant Classification Scheme 2023. Collection method: clinical testing. Allele origin: germline.